The following is an entry in ClinVar:

ClinVar aggregate classification (germline): Uncertain significance (1 of 4 stars; one submission).

Allele frequency attached by ClinVar (database versions not stated): TOPMed below 0.00001; gnomAD exomes 0.00001; ExAC 0.00002.
gnomAD v4.1: 3 of 1,614,130 alleles (0.00019%); highest among the groups gnomAD compares: Admixed American, 0.0033%; no homozygotes.

Submission:

GeneDx
Classification: Uncertain significance. Last evaluated: 2022-12-23. Review status: criteria provided, single submitter. Criteria: GeneDx Variant Classification Process June 2021. Collection method: clinical testing. Allele origin: germline. Affected: yes.
Comment: In silico analysis supports that this missense variant has a deleterious effect on protein structure/function; Has not been previously published as pathogenic or benign to our knowledge

NM_024063.3(AFG2B):c.1190C>A (p.Ala397Glu)

Gene: AFG2B (AFG2 AAA ATPase homolog B; plus strand). Cytogenetic location: 15q21.1.
Variant type: single nucleotide variant.
Coding change: c.1190C>A on transcript NM_024063.3 (MANE Select); coding-DNA position 1190, C replaced by A.
Protein change: p.Ala397Glu; replaces alanine 397 with glutamic acid.
Molecular consequence: missense variant. On other transcripts: non-coding transcript variant (5).
Genome position (GRCh38, 1-based): chr15:45,405,420, C>A. VCF-style: chr15-45405420-C-A. GRCh37 (hg19) VCF-style: chr15-45697618-C-A.
Other names: c.1190C>A, p.Ala397Glu (NM_001323640.2); short protein forms A397E.
Identifiers: ClinVar variation 2506854 (VCV002506854.1), dbSNP rs760990069, ClinGen allele CA7543326.